The following is an entry in ClinVar:

ClinVar aggregate classification (germline): Likely pathogenic. Review status: criteria provided, multiple submitters, no conflicts (2 of 4 stars). 2 submissions from 2 submitters: Likely pathogenic (2). Last evaluated 2026-07-22.

Conditions:
Nephronophthisis 16 (NPHP16). Identifiers: Orphanet 655, MedGen C3809320, MONDO:0014158, OMIM 615382.
ANKS6-related disorder. Also called: ANKS6-related condition.

gnomAD v4.1: 16 of 1,613,900 alleles (0.00099%); highest among the groups gnomAD compares: Non-Finnish European, 0.0014%; no homozygotes.

Submissions (2):

PreventionGenetics, part of Exact Sciences
Classification: Likely pathogenic for ANKS6-related condition. Last evaluated: 2026-07-22. Review status: criteria provided, single submitter. Criteria: ACMG Guidelines, 2015. Collection method: clinical testing. Allele origin: germline.
Comment: The ANKS6 c.1399C>T variant is predicted to result in premature protein termination (p.Arg467*). To our knowledge, this variant has not been reported in the literature. This variant is reported in 0.00088% of alleles in individuals of European (Non-Finnish) descent in gnomAD. Nonsense variants in ANKS6 are expected to be pathogenic. This variant is interpreted as likely pathogenic.

Juno Genomics, Hangzhou Juno Genomics, Inc
Classification: Likely pathogenic for Nephronophthisis 16. Review status: criteria provided, single submitter. Criteria: ACMG Guidelines, 2015. Collection method: clinical testing. Allele origin: germline.
Comment: Null variant in a gene where loss of function (LOF) is a known mechanism of disease.;Absent from controls (or at extremely low frequency if recessive) in Genome Aggregation Database.

NM_173551.5(ANKS6):c.1399C>T (p.Arg467Ter)

Gene: ANKS6 (ankyrin repeat and sterile alpha motif domain containing 6; minus strand). Cytogenetic location: 9q22.33.
Variant type: single nucleotide variant.
Coding change: c.1399C>T on transcript NM_173551.5 (MANE Select); coding-DNA position 1399, C replaced by T.
Protein change: p.Arg467Ter; replaces arginine 467 with a stop codon.
Molecular consequence: nonsense.
Genome position (GRCh38, 1-based): chr9:98,778,394, G>A on the plus strand (C>T on the coding strand, the complement: ANKS6 is on the minus strand). VCF-style: chr9-98778394-G-A. GRCh37 (hg19) VCF-style: chr9-101540676-G-A.
Other names: short protein forms R467*.
Identifiers: ClinVar variation 4982519 (VCV004982519.2).